The following is an entry in ClinVar:

ClinVar aggregate classification (germline): Pathogenic. Review status: criteria provided, multiple submitters, no conflicts (2 of 4 stars). 2 submissions from 2 submitters: Pathogenic (2). Last evaluated 2025-06-12.

Conditions:
Intestinal hypomagnesemia 1. Also called: HYPOMAGNESEMIA, INTESTINAL, WITH SECONDARY HYPOCALCEMIA; HYPOMAGNESEMIC TETANY. Identifiers: Orphanet 30924, MedGen C1865974, MONDO:0011176, OMIM 602014.

Allele frequency attached by ClinVar (database versions not stated): gnomAD 0.00002 and 0.00003; TOPMed 0.00002.

Submissions (2):

Labcorp Genetics (formerly Invitae), Labcorp
Classification: Pathogenic. Last evaluated: 2025-06-12. Review status: criteria provided, single submitter. Criteria: Invitae Variant Classification Sherloc (09022015). Collection method: clinical testing. Allele origin: germline.
Comment: This sequence change creates a premature translational stop signal (p.Gln1232Lysfs*31) in the TRPM6 gene. It is expected to result in an absent or disrupted protein product. Loss-of-function variants in TRPM6 are known to be pathogenic (PMID: 16107578). This variant is present in population databases (no rsID available, gnomAD 0.01%). This variant has not been reported in the literature in individuals affected with TRPM6-related conditions. ClinVar contains an entry for this variant (Variation ID: 1179128). For these reasons, this variant has been classified as Pathogenic.

Fulgent Genetics
Classification: Pathogenic for Intestinal hypomagnesemia 1. Last evaluated: 2021-06-30. Review status: criteria provided, single submitter. Criteria: ACMG Guidelines, 2015. Collection method: clinical testing. Allele origin: unknown.
Comment: This variant has been detected in individual(s) who were sent for testing of Renasight - kidney gene panel.

Literature cited by the submitters: PubMed 16107578 (cited by Labcorp Genetics (formerly Invitae), Labcorp).

NM_017662.5(TRPM6):c.3694del (p.Gln1232fs)

Gene: TRPM6 (transient receptor potential cation channel subfamily M member 6; minus strand). Cytogenetic location: 9q21.13.
Variant type: Deletion.
Coding change: c.3694del on transcript NM_017662.5 (MANE Select); coding-DNA position 3694, one base deleted (C; older notation c.3694delC).
Protein change: p.Gln1232fs; shifts the reading frame from glutamine 1232.
Molecular consequence: frameshift variant.
Genome position (GRCh38, 1-based): chr9:74,762,977, G deleted on the plus strand (C on the coding strand, the reverse complement: TRPM6 is on the minus strand). VCF-style (leftmost placement, unchanged base first): chr9-74762976-TG-T. GRCh37 (hg19) VCF-style: chr9-77377892-TG-T.
Other names: c.3679del, p.Gln1227fs (NM_001177310.2, NM_001177311.2); short protein forms Q1227fs, Q1232fs.
Identifiers: ClinVar variation 1179128 (VCV001179128.3), dbSNP rs1179034156, ClinGen allele CA588650386.